The following is an entry in ClinVar:

ClinVar aggregate classification (germline): Uncertain significance (1 of 4 stars; one submission).

Submission:

GeneDx
Classification: Uncertain significance. Last evaluated: 2025-04-04. Review status: criteria provided, single submitter. Criteria: GeneDx Variant Classification Process June 2021. Collection method: clinical testing. Allele origin: germline. Affected: yes.
Comment: Not observed at significant frequency in large population cohorts (gnomAD); In silico analysis indicates that this missense variant does not alter protein structure/function; Has not been previously published as pathogenic or benign to our knowledge

NM_001136193.2(FASTKD2):c.823A>C (p.Thr275Pro)

Genes: FASTKD2 (FAST kinase domains 2; plus strand), LOC126806484 (CDK7 strongly-dependent group 2 enhancer GRCh37_chr2:207634423-207635622; plus strand). Cytogenetic location: 2q33.3.
Variant type: single nucleotide variant.
Coding change: c.823A>C on transcript NM_001136193.2 (MANE Select); coding-DNA position 823, A replaced by C.
Protein change: p.Thr275Pro; replaces threonine 275 with proline.
Molecular consequence: missense variant.
Genome position (GRCh38, 1-based): chr2:206,770,136, A>C. VCF-style: chr2-206770136-A-C. GRCh37 (hg19) VCF-style: chr2-207634860-A-C.
Other names: c.823A>C, p.Thr275Pro (NM_001136194.2, NM_014929.4); short protein forms T275P.
Identifiers: ClinVar variation 4278778 (VCV004278778.1).